The following is an entry in ClinVar:

ClinVar aggregate classification (germline): Uncertain significance (1 of 4 stars; one submission).

Conditions:
Progressive familial heart block type IB (PFHB1B). Identifiers: Orphanet 871, MedGen C1970298, MONDO:0011474, OMIM 604559.

Submission:

Labcorp Genetics (formerly Invitae), Labcorp
Classification: Uncertain significance for Progressive familial heart block type IB. Last evaluated: 2023-07-14. Review status: criteria provided, single submitter. Criteria: Invitae Variant Classification Sherloc (09022015). Collection method: clinical testing. Allele origin: germline.
Comment: This variant is not present in population databases (gnomAD no frequency). In summary, the available evidence is currently insufficient to determine the role of this variant in disease. Therefore, it has been classified as a Variant of Uncertain Significance. An algorithm developed to predict the effect of missense changes on protein structure and function (PolyPhen-2) suggests that this variant is likely to be disruptive. This variant has not been reported in the literature in individuals affected with TRPM4-related conditions. This sequence change replaces proline, which is neutral and non-polar, with leucine, which is neutral and non-polar, at codon 99 of the TRPM4 protein (p.Pro99Leu).

NM_017636.4(TRPM4):c.296C>T (p.Pro99Leu)

Gene: TRPM4 (transient receptor potential cation channel subfamily M member 4; plus strand). Cytogenetic location: 19q13.33.
Variant type: single nucleotide variant.
Coding change: c.296C>T on transcript NM_017636.4 (MANE Select); coding-DNA position 296, C replaced by T.
Protein change: p.Pro99Leu; replaces proline 99 with leucine.
Molecular consequence: missense variant. On other transcripts: intron variant (4).
Genome position (GRCh38, 1-based): chr19:49,167,945, C>T. VCF-style: chr19-49167945-C-T. GRCh37 (hg19) VCF-style: chr19-49671202-C-T.
Other names: c.296C>T, p.Pro99Leu (NM_001195227.2); c.-1105-315C>T (NM_001321282.2); c.268-608C>T (NM_001321281.2); c.-74-315C>T (NM_001321283.2); c.-237-608C>T (NM_001321285.2); short protein forms P99L.
Identifiers: ClinVar variation 2794191 (VCV002794191.3), dbSNP rs2514056238, ClinGen allele CA406789974.